The following is an entry in ClinVar:

NM_032119.4(ADGRV1):c.4787T>C (p.Val1596Ala)

Gene: ADGRV1 (adhesion G protein-coupled receptor V1; plus strand). Cytogenetic location: 5q14.3.
Variant type: single nucleotide variant.
Coding change: c.4787T>C on transcript NM_032119.4 (MANE Select); coding-DNA position 4787, T replaced by C.
Protein change: p.Val1596Ala; replaces valine 1596 with alanine.
Molecular consequence: missense variant. On other transcripts: non-coding transcript variant (1).
Genome position (GRCh38, 1-based): chr5:90,672,580, T>C. VCF-style: chr5-90672580-T-C. GRCh37 (hg19) VCF-style: chr5-89968397-T-C.
Other names: c.4787T>C (NM_032119.3); short protein forms V1596A.
Identifiers: ClinVar variation 1915922 (VCV001915922.7), dbSNP rs375621749, ClinGen allele CA3339416.
Genomic context (GRCh38, chr5:90,672,580, plus strand): 5'-TATTAATAATTTACATTCAATTTCAGATTGCAGAGGAGGGATCAACCATTTCTTGTGTGG[T>C]TGAGAGAACCAGAGGAGCTCTGGATTATGTGCATGTTTTTTACACCATTTCACAGATTGA-3'
Protein context (NP_115495.3, residues 1586-1606): AEEGSTISCV[Val1596Ala]ERTRGALDYV

ClinVar aggregate classification (germline): Uncertain significance. Review status: criteria provided, multiple submitters, no conflicts (2 of 4 stars). 6 submissions from 6 submitters: Uncertain significance (6). Last evaluated 2026-07-06.

Conditions:
ADGRV1-related disorder. Also called: ADGRV1-related disorders; ADGRV1-related condition.
Inborn genetic diseases. Identifiers: MedGen C0950123, MeSH D030342.

Allele frequency attached by ClinVar (database versions not stated): ESP Exome Variant Server 0.00008; ExAC 0.00001; gnomAD 0.00001; gnomAD exomes 0.00001; TOPMed 0.00003.
gnomAD v4.1: 18 of 1,613,698 alleles (0.0011%); highest among the groups gnomAD compares: Admixed American, 0.0067%; no homozygotes.

Submissions (6):

PreventionGenetics, part of Exact Sciences
Classification: Uncertain significance for ADGRV1-related condition. Last evaluated: 2026-07-06. Review status: criteria provided, single submitter. Criteria: ACMG Guidelines, 2015. Collection method: clinical testing. Allele origin: germline.
Comment: The ADGRV1 c.4787T>C variant is predicted to result in the amino acid substitution p.Val1596Ala. To our knowledge, this variant has not been reported in the literature. This variant is reported in 0.0085% of alleles in individuals of Latino descent in gnomAD. At this time, the clinical significance of this variant is uncertain due to the absence of conclusive functional and genetic evidence.

Ambry Genetics
Classification: Uncertain significance for Inborn genetic diseases. Last evaluated: 2025-11-24. Review status: criteria provided, single submitter. Criteria: Ambry Variant Classification Scheme 2023. Collection method: clinical testing. Allele origin: germline.

Women's Health and Genetics/Laboratory Corporation of America, LabCorp
Classification: Uncertain significance. Last evaluated: 2025-07-22. Review status: criteria provided, single submitter. Criteria: LabCorp Variant Classification Summary - May 2015. Collection method: clinical testing. Allele origin: germline.
Comment: Variant summary: ADGRV1 c.4787T>C (p.Val1596Ala) results in a non-conservative amino acid change in the encoded protein sequence. Algorithms developed to predict the effect of missense changes on protein structure and function are either unavailable or do not agree on the potential impact of this missense change. The variant allele was found at a frequency of 1.2e-05 in 249038 control chromosomes. The available data on variant occurrences in the general population are insufficient to allow any conclusion about variant significance. To our knowledge, no occurrence of c.4787T>C in individuals affected with ADGRV1-Related Disorders and no experimental evidence demonstrating its impact on protein function have been reported. ClinVar contains an entry for this variant (Variation ID: 1915922). Based on the evidence outlined above, the variant was classified as uncertain significance.

GeneDx
Classification: Uncertain significance. Last evaluated: 2024-11-20. Review status: criteria provided, single submitter. Criteria: GeneDx Variant Classification Process June 2021. Collection method: clinical testing. Allele origin: germline. Affected: yes.
Comment: In silico analysis supports that this missense variant has a deleterious effect on protein structure/function; Has not been previously published as pathogenic or benign to our knowledge

Blueprint Genetics
Classification: Uncertain significance. Last evaluated: 2024-11-18. Review status: criteria provided, single submitter. Criteria: ACMG Guidelines, 2015. Collection method: clinical testing. Allele origin: germline.

Labcorp Genetics (formerly Invitae), Labcorp
Classification: Uncertain significance. Last evaluated: 2022-08-22. Review status: criteria provided, single submitter. Criteria: Invitae Variant Classification Sherloc (09022015). Collection method: clinical testing. Allele origin: germline.
Comment: This sequence change replaces valine, which is neutral and non-polar, with alanine, which is neutral and non-polar, at codon 1596 of the ADGRV1 protein (p.Val1596Ala). This variant is present in population databases (rs375621749, gnomAD 0.009%). This variant has not been reported in the literature in individuals affected with ADGRV1-related conditions. Algorithms developed to predict the effect of missense changes on protein structure and function are either unavailable or do not agree on the potential impact of this missense change (SIFT: "Deleterious"; PolyPhen-2: "Probably Damaging"; Align-GVGD: "Class C0"). In summary, the available evidence is currently insufficient to determine the role of this variant in disease. Therefore, it has been classified as a Variant of Uncertain Significance.